The following is an entry in ClinVar:

NM_024642.5(GALNT12):c.1A>T (p.Met1Leu)

Gene: GALNT12 (polypeptide N-acetylgalactosaminyltransferase 12; plus strand). Cytogenetic location: 9q22.33.
Variant type: single nucleotide variant.
Coding change: c.1A>T on transcript NM_024642.5 (MANE Select); coding-DNA position 1, A replaced by T.
Protein change: p.Met1Leu; changes the start codon (methionine 1).
Molecular consequence: missense variant, initiator codon variant.
Genome position (GRCh38, 1-based): chr9:98,807,699, A>T. VCF-style: chr9-98807699-A-T. GRCh37 (hg19) VCF-style: chr9-101569981-A-T.
Other names: short protein forms M1L.
Identifiers: ClinVar variation 1784179 (VCV001784179.3), dbSNP rs1259048855, ClinGen allele CA374221966.

ClinVar aggregate classification (germline): Uncertain significance (1 of 4 stars; one submission).

Submission:

Ambry Genetics
Classification: Uncertain significance. Last evaluated: 2021-08-04. Review status: criteria provided, single submitter. Criteria: Ambry Variant Classification Scheme 2023. Collection method: clinical testing. Allele origin: germline.
Comment: The p.M1? variant (also known as c.1A>T), located in coding exon 1 of the GALNT12 gene, results from a A to G substitution at nucleotide position 1. This alters the methionine residue at the initiation codon. Sequence variations that modify the initiation codon are expected to result in either loss of translation initiation, N-terminal truncation, or cause a shift in the mRNA reading frame. However, the gene-disease association for GALNT12 is limited. Since supporting evidence is limited at this time, the clinical significance of this alteration remains unclear.